The following is an entry in ClinVar:

NM_001042492.3(NF1):c.6832_6833dup (p.Leu2279fs)

Gene: NF1 (neurofibromin 1; plus strand). Cytogenetic location: 17q11.2.
Variant type: Duplication.
Coding change: c.6832_6833dup on transcript NM_001042492.3 (MANE Select); coding-DNA positions 6832 to 6833, 2 bases duplicated (TG; older notation c.6832_6833dupTG).
Protein change: p.Leu2279fs; shifts the reading frame from leucine 2279.
Molecular consequence: frameshift variant.
Genome position (GRCh38, 1-based): chr17:31,338,716-31,338,717, TG duplicated. VCF-style (leftmost placement, unchanged base first): chr17-31338715-T-TTG. GRCh37 (hg19) VCF-style: chr17-29665733-T-TTG.
Other names: c.6769_6770dup, p.Leu2258fs (NM_000267.4); short protein forms L2279fs, L2258fs.
Identifiers: ClinVar variation 4717371 (VCV004717371.1).

ClinVar aggregate classification (germline): Pathogenic (1 of 4 stars; one submission).

Conditions:
Neurofibromatosis, type 1 (NF1). Also called: NEUROFIBROMATOSIS, TYPE I, SOMATIC; VON RECKLINGHAUSEN DISEASE; Peripheral type neurofibromatosis; Neurofibromatosis, type I. Identifiers: Orphanet 636, MedGen C0027831, MONDO:0018975, OMIM 162200. Disease mechanism: loss of function.

Submission:

Labcorp Genetics (formerly Invitae), Labcorp
Classification: Pathogenic for Neurofibromatosis, type 1. Last evaluated: 2025-04-13. Review status: criteria provided, single submitter. Criteria: Invitae Variant Classification Sherloc (09022015). Collection method: clinical testing. Allele origin: germline.
Comment: This sequence change creates a premature translational stop signal (p.Leu2258Alafs*2) in the NF1 gene. It is expected to result in an absent or disrupted protein product. Loss-of-function variants in NF1 are known to be pathogenic (PMID: 10712197, 23913538). This variant is not present in population databases (gnomAD no frequency). This variant has not been reported in the literature in individuals affected with NF1-related conditions. For these reasons, this variant has been classified as Pathogenic.

Literature cited by the submitters: PubMed 10712197; PubMed 23913538.